The following is an entry in ClinVar:

ClinVar aggregate classification (germline): Pathogenic. Review status: criteria provided, single submitter (1 of 4 stars). 3 submissions from 3 submitters: Pathogenic (1). 2 of the submissions do not count toward it. Last evaluated 2024-03-01.

Conditions:
Wagner disease. Also called: HYALOIDEORETINAL DEGENERATION OF WAGNER; WAGNER SYNDROME 1; WAGNER VITREORETINOPATHY; Wagner Vitreoretinal Degeneration (Wagner Synrdome); WAGNER VITREORETINAL DEGENERATION; Wagner syndrome. Identifiers: Orphanet 898, MedGen C1840452, MONDO:0007740, OMIM 143200.

Submissions (3):

Labcorp Genetics (formerly Invitae), Labcorp
Classification: Pathogenic. Last evaluated: 2024-03-01. Review status: criteria provided, single submitter. Criteria: Invitae Variant Classification Sherloc (09022015). Collection method: clinical testing. Allele origin: germline.
Comment: This sequence change affects a donor splice site in intron 8 of the VCAN gene. It is expected to disrupt RNA splicing. Variants that disrupt the donor or acceptor splice site typically lead to a loss of protein function (PMID: 16199547), however the current clinical and genetic evidence is not sufficient to establish whether loss-of-function variants in VCAN cause disease. This variant is not present in population databases (gnomAD no frequency). Disruption of this splice site has been observed in individual(s) with clinical features of Wagner disease (PMID: 16636652, 23571384). In at least one individual the variant was observed to be de novo. It has also been observed to segregate with disease in related individuals. ClinVar contains an entry for this variant (Variation ID: 21408). Algorithms developed to predict the effect of sequence changes on RNA splicing suggest that this variant may disrupt the consensus splice site. For these reasons, this variant has been classified as Pathogenic.

OMIM
Classification: Pathogenic for WAGNER VITREORETINOPATHY. Last evaluated: 2013-03-01. Review status: no assertion criteria provided. Collection method: literature only. Allele origin: germline. Not counted in ClinVar's aggregate classification.

GeneReviews
No classification provided. Condition: Wagner disease. Review status: no classification provided. Collection method: literature only. Allele origin: germline. Affected: yes. Not counted in ClinVar's aggregate classification.

Literature cited by the submitters: PubMed 16199547 (cited by Labcorp Genetics (formerly Invitae), Labcorp); PubMed 16636652 (cited by Labcorp Genetics (formerly Invitae), Labcorp and OMIM); PubMed 23571384 (cited by Labcorp Genetics (formerly Invitae), Labcorp and GeneReviews); Wagner, H. Ein bisher unbekanntes Erbleiden des Auges (degeneratio hyaloideo-retinalis hereditaria), beobachtet im Kanton Zurich. Klin. Monatsbl. Augenheilkd. 100: 840-858, 1938. (cited by OMIM); PubMed 22739342 (cited by OMIM); NCBI Bookshelf NBK3821 (cited by GeneReviews).

NM_004385.5(VCAN):c.9265+1G>A

Genes: VCAN (versican; plus strand), VCAN-AS1 (VCAN antisense RNA 1; minus strand). Cytogenetic location: 5q14.3.
Variant type: single nucleotide variant.
Coding change: c.9265+1G>A on transcript NM_004385.5 (MANE Select); the canonical splice donor site of the intron after coding-DNA position 9265, G replaced by A.
Molecular consequence: splice donor variant. On other transcripts: intron variant (2).
Genome position (GRCh38, 1-based): chr5:83,542,269, G>A. VCF-style: chr5-83542269-G-A. GRCh37 (hg19) VCF-style: chr5-82838088-G-A.
Other names: IVS8DS, G-A, +1; c.4004-3268G>A (NM_001164098.2); c.6304+1G>A (NM_001164097.2); c.1043-3268G>A (NM_001126336.3).
Identifiers: ClinVar variation 21408 (VCV000021408.10), dbSNP rs80356553, ClinGen allele CA342038.